The following is an entry in ClinVar:

ClinVar aggregate classification (germline): Uncertain significance (1 of 4 stars; one submission).

Conditions:
Charcot-Marie-Tooth disease type 4. Also called: Charcot-Marie-Tooth, Type 4; Charcot-Marie-Tooth disease, type IV. Identifiers: Orphanet 64749, MedGen C4082197, MONDO:0018995.

Allele frequency attached by ClinVar (database versions not stated): gnomAD exomes below 0.00001; ExAC 0.00001; TOPMed 0.00001.
gnomAD v4.1: 3 of 1,614,196 alleles (0.00019%); highest among the groups gnomAD compares: Admixed American, 0.005%; no homozygotes.

Submissions (2):

Labcorp Genetics (formerly Invitae), Labcorp
Classification: Uncertain significance for Charcot-Marie-Tooth disease type 4. Last evaluated: 2022-05-24. Review status: criteria provided, single submitter. Criteria: Invitae Variant Classification Sherloc (09022015). Collection method: clinical testing. Allele origin: germline.
Comment: This sequence change replaces glutamic acid, which is acidic and polar, with lysine, which is basic and polar, at codon 18 of the NDRG1 protein (p.Glu18Lys). This variant is present in population databases (rs750103164, gnomAD 0.003%). This variant has not been reported in the literature in individuals affected with NDRG1-related conditions. Algorithms developed to predict the effect of missense changes on protein structure and function (SIFT, PolyPhen-2, Align-GVGD) all suggest that this variant is likely to be tolerated. In summary, the available evidence is currently insufficient to determine the role of this variant in disease. Therefore, it has been classified as a Variant of Uncertain Significance.

Dr. Peter K. Rogan Lab, Western University
No classification provided (evidence only). Condition: Melanoma. Review status: no classification provided. Collection method: in vitro. Allele origin: not applicable. Functional consequence: retained intron. Not counted in ClinVar's aggregate classification.

NM_006096.4(NDRG1):c.52G>A (p.Glu18Lys)

Gene: NDRG1 (N-myc downstream regulated 1; minus strand). Cytogenetic location: 8q24.22.
Variant type: single nucleotide variant.
Coding change: c.52G>A on transcript NM_006096.4 (MANE Select); coding-DNA position 52, G replaced by A.
Protein change: p.Glu18Lys; replaces glutamic acid 18 with lysine.
Molecular consequence: missense variant. On other transcripts: 5 prime UTR variant (1), intron variant (2).
Genome position (GRCh38, 1-based): chr8:133,284,260, C>T on the plus strand (G>A on the coding strand, the complement: NDRG1 is on the minus strand). VCF-style: chr8-133284260-C-T. GRCh37 (hg19) VCF-style: chr8-134296503-C-T.
Other names: c.52G>A, p.Glu18Lys (NM_001135242.2, NM_001374844.1, NM_001374845.1 and 1 more transcripts); c.-86G>A (NM_001258433.2); c.-100+12874G>A (NM_001258432.2); c.-135-3993G>A (NM_001374847.1); short protein forms E18K.
Identifiers: ClinVar variation 2415155 (VCV002415155.4), dbSNP rs750103164, ClinGen allele CA4886939.